The following is an entry in ClinVar:

ClinVar aggregate classification (germline): Uncertain significance (1 of 4 stars; one submission).

Conditions:
Familial isolated arrhythmogenic right ventricular dysplasia. Identifiers: Orphanet 217656, MedGen C4274968, MONDO:0016342.

Allele frequency attached by ClinVar (database versions not stated): gnomAD 0.00001.
gnomAD v4.1: 1 of 1,613,822 alleles (0.000062%); highest among the groups gnomAD compares: Non-Finnish European, 0.000085%; no homozygotes.

Submission:

All of Us Research Program, National Institutes of Health
Classification: Uncertain significance for Familial isolated arrhythmogenic right ventricular dysplasia. Last evaluated: 2024-08-30. Review status: criteria provided, single submitter. Criteria: ACMG Guidelines, 2015. Collection method: clinical testing. Allele origin: germline. Inheritance: Autosomal dominant inheritance. Observed: 2 variant alleles, 2 heterozygotes.
Comment: This missense variant replaces serine with glycine at codon 660 of the DSC2 protein. Computational prediction suggests that this variant may not impact protein structure and function (internally defined REVEL score threshold <= 0.5, PMID: 27666373). To our knowledge, functional studies have not been reported for this variant. This variant has not been reported in individuals affected with DSC2-related disorders in the literature. This variant has not been identified in the general population by the Genome Aggregation Database (gnomAD). The available evidence is insufficient to determine the role of this variant in disease conclusively. Therefore, this variant is classified as a Variant of Uncertain Significance.

This study involves interpretation of variants in research participants for the purpose of population health screening. Participant phenotype was not available at the time of variant classification. Additional details can be found in publication PMID: 35346344, PMCID: PMC8962531

NM_024422.6(DSC2):c.1978A>G (p.Ser660Gly)

Gene: DSC2 (desmocollin 2; minus strand). Cytogenetic location: 18q12.1.
Variant type: single nucleotide variant.
Coding change: c.1978A>G on transcript NM_024422.6 (MANE Select); coding-DNA position 1978, A replaced by G.
Protein change: p.Ser660Gly; replaces serine 660 with glycine.
Molecular consequence: missense variant.
Genome position (GRCh38, 1-based): chr18:31,071,752, T>C on the plus strand (A>G on the coding strand, the complement: DSC2 is on the minus strand). VCF-style: chr18-31071752-T-C. GRCh37 (hg19) VCF-style: chr18-28651718-T-C.
Other names: c.1549A>G, p.Ser517Gly (NM_001406506.1, NM_001406507.1); c.1978A>G, p.Ser660Gly (NM_004949.5); short protein forms S517G, S660G.
Identifiers: ClinVar variation 3070204 (VCV003070204.2), dbSNP rs1986841590, ClinGen allele CA402113232.